The following is an entry in ClinVar:

ClinVar aggregate classification (germline): Likely pathogenic. Review status: criteria provided, multiple submitters, no conflicts (2 of 4 stars). 2 submissions from 2 submitters: Likely pathogenic (2). Last evaluated 2025-10-14.

Conditions:
TRIM28-related disorder. Also called: TRIM28-related condition.
Predisposition to Wilms tumor.

Submissions (2):

PreventionGenetics, part of Exact Sciences
Classification: Likely pathogenic for TRIM28-related condition. Last evaluated: 2025-10-14. Review status: criteria provided, single submitter. Criteria: ACMG Guidelines, 2015. Collection method: clinical testing. Allele origin: germline.
Comment: The TRIM28 c.1216+1G>T variant is predicted to disrupt the GT donor site and interfere with normal splicing. To our knowledge, this variant has not been reported in the literature or in a large population database (gnomAD), indicating this variant is rare. Variants that disrupt the consensus splice donor site in TRIM28 are expected to be pathogenic. This variant is interpreted as likely pathogenic.

St. Jude Molecular Pathology, St. Jude Children's Research Hospital
Classification: Likely pathogenic for Predisposition to Wilms tumor. Last evaluated: 2025-06-17. Review status: criteria provided, single submitter. Criteria: St. Jude Assertion Criteria 2020. Collection method: clinical testing. Allele origin: germline.
Comment: The TRIM28 c.1216+1G>T intronic change results in a G to T substitution at the +1 position of intron 8 of the TRIM28 gen e. This variant is predicted to result in aberrant splicing, likely resulting in an absent or abnormal protein product. This variant is also absent in gnomAD v2.1.1. In summary, this variant meets criteria to be classified as likely pathogenic.

NM_005762.3(TRIM28):c.1216+1G>T

Gene: TRIM28 (tripartite motif containing 28; plus strand). Cytogenetic location: 19q13.43.
Variant type: single nucleotide variant.
Coding change: c.1216+1G>T on transcript NM_005762.3 (MANE Select); the canonical splice donor site of the intron after coding-DNA position 1216, G replaced by T.
Molecular consequence: splice donor variant.
Genome position (GRCh38, 1-based): chr19:58,548,409, G>T. VCF-style: chr19-58548409-G-T. GRCh37 (hg19) VCF-style: chr19-59059776-G-T.
Other names: c.1216+1G>T (NM_005762.2).
Identifiers: ClinVar variation 4056100 (VCV004056100.3).